The following is an entry in ClinVar:

ClinVar aggregate classification (germline): Uncertain significance (1 of 4 stars; one submission).

Conditions:
Charcot-Marie-Tooth disease axonal type 2L. Also called: CHARCOT-MARIE-TOOTH DISEASE, AXONAL, AUTOSOMAL DOMINANT, TYPE 2L; CHARCOT-MARIE-TOOTH NEUROPATHY, AXONAL, TYPE 2L; Charcot-Marie-Tooth Neuropathy Type 2L. Identifiers: Orphanet 99945, MedGen C1837552, MONDO:0012096, OMIM 608673.

gnomAD v4.1: 6 of 1,570,866 alleles (0.00038%); highest among the groups gnomAD compares: East Asian, 0.013%; no homozygotes.

Submission:

Labcorp Genetics (formerly Invitae), Labcorp
Classification: Uncertain significance for Charcot-Marie-Tooth disease axonal type 2L. Last evaluated: 2025-08-17. Review status: criteria provided, single submitter. Criteria: Invitae Variant Classification Sherloc (09022015). Collection method: clinical testing. Allele origin: germline.
Comment: This sequence change falls in intron 1 of the HSPB8 gene. It does not directly change the encoded amino acid sequence of the HSPB8 protein. It affects a nucleotide within the consensus splice site. This variant is present in population databases (rs56215582, gnomAD 0.02%). This variant has not been reported in the literature in individuals affected with HSPB8-related conditions. Variants that disrupt the consensus splice site are a relatively common cause of aberrant splicing (PMID: 17576681, 9536098). Algorithms developed to predict the effect of sequence changes on RNA splicing suggest that this variant is not likely to affect RNA splicing. In summary, the available evidence is currently insufficient to determine the role of this variant in disease. Therefore, it has been classified as a Variant of Uncertain Significance.

Literature cited by the submitters: PubMed 17576681; PubMed 9536098.

NM_014365.3(HSPB8):c.367+6T>C

Gene: HSPB8 (heat shock protein family B (small) member 8; plus strand). Cytogenetic location: 12q24.23.
Variant type: single nucleotide variant.
Coding change: c.367+6T>C on transcript NM_014365.3 (MANE Select); 6 bases into the intron after coding-DNA position 367, T replaced by C.
Molecular consequence: intron variant.
Genome position (GRCh38, 1-based): chr12:119,179,685, T>C. VCF-style: chr12-119179685-T-C. GRCh37 (hg19) VCF-style: chr12-119617490-T-C.
Identifiers: ClinVar variation 4748008 (VCV004748008.1).